The following is an entry in ClinVar:

NM_001253697.2(ERBIN):c.1961A>G (p.Asn654Ser)

Gene: ERBIN (erbb2 interacting protein; plus strand). Cytogenetic location: 5q12.3.
Variant type: single nucleotide variant.
Coding change: c.1961A>G on transcript NM_001253697.2 (MANE Select); coding-DNA position 1961, A replaced by G.
Protein change: p.Asn654Ser; replaces asparagine 654 with serine.
Molecular consequence: missense variant.
Genome position (GRCh38, 1-based): chr5:66,050,840, A>G. VCF-style: chr5-66050840-A-G. GRCh37 (hg19) VCF-style: chr5-65346668-A-G.
Other names: c.1961A>G, p.Asn654Ser (NM_001006600.3, NM_001253698.2, NM_001253699.2 and 1 more transcripts); c.1949A>G, p.Asn650Ser (NM_001253701.2); short protein forms N654S, N650S.
Identifiers: ClinVar variation 4713037 (VCV004713037.1).

ClinVar aggregate classification (germline): Uncertain significance (1 of 4 stars; one submission).

gnomAD v4.1: 2 of 1,602,238 alleles (0.00012%); highest among the groups gnomAD compares: South Asian, 0.0011%; no homozygotes.

Submission:

Labcorp Genetics (formerly Invitae), Labcorp
Classification: Uncertain significance. Last evaluated: 2025-06-29. Review status: criteria provided, single submitter. Criteria: Invitae Variant Classification Sherloc (09022015). Collection method: clinical testing. Allele origin: germline.
Comment: This sequence change replaces asparagine, which is neutral and polar, with serine, which is neutral and polar, at codon 654 of the ERBIN protein (p.Asn654Ser). This variant is not present in population databases (gnomAD no frequency). This variant has not been reported in the literature in individuals affected with ERBIN-related conditions. An algorithm developed to predict the effect of missense changes on protein structure and function (PolyPhen-2) suggests that this variant is likely to be disruptive. In summary, the available evidence is currently insufficient to determine the role of this variant in disease. Therefore, it has been classified as a Variant of Uncertain Significance.